The following is an entry in ClinVar:

ClinVar aggregate classification (germline): Uncertain significance (1 of 4 stars; one submission).

Conditions:
Weaver syndrome (WVS). Also called: Weaver Smith syndrome; Overgrowth syndrome with accelerated skeletal maturation, unusual facies, and camptodactyly. Identifiers: Orphanet 3447, MedGen C0265210, MONDO:0010193, OMIM 277590.

Submission:

Labcorp Genetics (formerly Invitae), Labcorp
Classification: Uncertain significance for Weaver syndrome. Last evaluated: 2024-06-14. Review status: criteria provided, single submitter. Criteria: Invitae Variant Classification Sherloc (09022015). Collection method: clinical testing. Allele origin: germline.
Comment: This sequence change replaces arginine, which is basic and polar, with leucine, which is neutral and non-polar, at codon 684 of the EZH2 protein (p.Arg684Leu). This variant is not present in population databases (gnomAD no frequency). This variant has not been reported in the literature in individuals affected with EZH2-related conditions. Advanced modeling of protein sequence and biophysical properties (such as structural, functional, and spatial information, amino acid conservation, physicochemical variation, residue mobility, and thermodynamic stability) performed at Invitae indicates that this missense variant is expected to disrupt EZH2 protein function with a positive predictive value of 80%. This variant disrupts the p.Arg684 amino acid residue in EZH2. Other variant(s) that disrupt this residue have been determined to be pathogenic (PMID: 22190405, 26694085, 29802153). This suggests that this residue is clinically significant, and that variants that disrupt this residue are likely to be disease-causing. In summary, the available evidence is currently insufficient to determine the role of this variant in disease. Therefore, it has been classified as a Variant of Uncertain Significance.

Literature cited by the submitters: PubMed 22190405; PubMed 26694085; PubMed 29802153.

NM_004456.5(EZH2):c.2051G>T (p.Arg684Leu)

Gene: EZH2 (enhancer of zeste 2 polycomb repressive complex 2 subunit; minus strand). Cytogenetic location: 7q36.1.
Variant type: single nucleotide variant.
Coding change: c.2051G>T on transcript NM_004456.5 (MANE Select); coding-DNA position 2051, G replaced by T.
Protein change: p.Arg684Leu; replaces arginine 684 with leucine.
Molecular consequence: missense variant.
Genome position (GRCh38, 1-based): chr7:148,809,369, C>A on the plus strand (G>T on the coding strand, the complement: EZH2 is on the minus strand). VCF-style: chr7-148809369-C-A. GRCh37 (hg19) VCF-style: chr7-148506461-C-A.
Other names: c.2036G>T, p.Arg679Leu (NM_001203247.2); c.2009G>T, p.Arg670Leu (NM_001203248.2); c.1883G>T, p.Arg628Leu (NM_001203249.2); c.1919G>T, p.Arg640Leu (NM_152998.3); short protein forms R628L, R640L, R679L, R684L, R670L.
Identifiers: ClinVar variation 3656655 (VCV003656655.2).